The following is an entry in ClinVar:

ClinVar aggregate classification (germline): Uncertain significance (1 of 4 stars; one submission).

Conditions:
Renal carnitine transport defect (CDSP). Also called: Carnitine Deficiency, Systemic; CARNITINE DEFICIENCY, SYSTEMIC, DUE TO DEFECT IN RENAL REABSORPTION OF CARNITINE; CARNITINE TRANSPORTER, PLASMA-MEMBRANE, DEFICIENCY OF; CARNITINE UPTAKE DEFECT; Primary carnitine deficiency; Systemic primary carnitine deficiency. Identifiers: Orphanet 158, MedGen C0342788, MONDO:0008919, OMIM 212140.

Submission:

Labcorp Genetics (formerly Invitae), Labcorp
Classification: Uncertain significance for Renal carnitine transport defect. Last evaluated: 2023-10-20. Review status: criteria provided, single submitter. Criteria: Invitae Variant Classification Sherloc (09022015). Collection method: clinical testing. Allele origin: germline.
Comment: This sequence change replaces histidine, which is basic and polar, with proline, which is neutral and non-polar, at codon 65 of the SLC22A5 protein (p.His65Pro). This variant is not present in population databases (gnomAD no frequency). This variant has not been reported in the literature in individuals affected with SLC22A5-related conditions. Advanced modeling of protein sequence and biophysical properties (such as structural, functional, and spatial information, amino acid conservation, physicochemical variation, residue mobility, and thermodynamic stability) has been performed at Invitae for this missense variant, however the output from this modeling did not meet the statistical confidence thresholds required to predict the impact of this variant on SLC22A5 protein function. In summary, the available evidence is currently insufficient to determine the role of this variant in disease. Therefore, it has been classified as a Variant of Uncertain Significance.

NM_003060.4(SLC22A5):c.194A>C (p.His65Pro)

Gene: SLC22A5 (solute carrier family 22 member 5; plus strand). Cytogenetic location: 5q31.1.
Variant type: single nucleotide variant.
Coding change: c.194A>C on transcript NM_003060.4 (MANE Select); coding-DNA position 194, A replaced by C.
Protein change: p.His65Pro; replaces histidine 65 with proline.
Molecular consequence: missense variant.
Genome position (GRCh38, 1-based): chr5:132,370,166, A>C. VCF-style: chr5-132370166-A-C. GRCh37 (hg19) VCF-style: chr5-131705858-A-C.
Other names: c.194A>C, p.His65Pro (NM_001308122.2); short protein forms H65P.
Identifiers: ClinVar variation 2770342 (VCV002770342.3), dbSNP rs755634551, ClinGen allele CA360802568.
Genomic context (GRCh38, chr5:132,370,166, plus strand): 5'-CCCCGGAGCACCGCTGCCGGGTGCCGGACGCCGCGAACCTGAGCAGCGCCTGGCGCAACC[A>C]CACTGTCCCACTGCGGCTGCGGGACGGCCGCGAGGTGCCCCACAGCTGCCGCCGCTACCG-3'
Protein context (NP_003051.1, residues 55-75): AANLSSAWRN[His65Pro]TVPLRLRDGR